The following is an entry in ClinVar:

ClinVar aggregate classification (germline): Likely pathogenic. Review status: criteria provided, multiple submitters, no conflicts (2 of 4 stars). 2 submissions from 2 submitters: Likely pathogenic (2). Last evaluated 2025-06-12.

Conditions:
ATP8B1-related disorder. Also called: ATP8B1-related disorders; ATP8B1-related condition.
Progressive familial intrahepatic cholestasis type 1. Also called: BYLER DISEASE; Severe ATP8B1 Deficiency (Progressive Familial Intrahepatic Cholestasis Type 1 [PFIC1]); Byler's disease. Identifiers: Orphanet 79306, MedGen C4551898, MONDO:0008892, OMIM 211600.

Submissions (2):

PreventionGenetics, part of Exact Sciences
Classification: Likely pathogenic for ATP8B1-related condition. Last evaluated: 2025-06-12. Review status: criteria provided, single submitter. Criteria: ACMG Guidelines, 2015. Collection method: clinical testing. Allele origin: germline.
Comment: The ATP8B1 c.3015+1G>T variant is predicted to disrupt the GT donor site and interfere with normal splicing. To our knowledge, this variant has not been reported in the literature or in a large population database (gnomAD), indicating this variant is rare. Variants that disrupt the consensus splice donor site in ATP8B1 are expected to be pathogenic. This variant is interpreted as likely pathogenic.

Mendelics
Classification: Likely pathogenic for Progressive familial intrahepatic cholestasis type 1. Last evaluated: 2019-05-28. Review status: criteria provided, single submitter. Criteria: Mendelics Assertion Criteria 2017. Collection method: clinical testing. Allele origin: unknown.

NM_001374385.1(ATP8B1):c.3015+1G>T

Genes: ATP8B1-AS1 (ATP8B1 antisense RNA 1; plus strand), ATP8B1 (ATPase phospholipid transporting 8B1; minus strand). Cytogenetic location: 18q21.31.
Variant type: single nucleotide variant.
Coding change: c.3015+1G>T on transcript NM_001374385.1 (MANE Select); the canonical splice donor site of the intron after coding-DNA position 3015, G replaced by T.
Molecular consequence: splice donor variant.
Genome position (GRCh38, 1-based): chr18:57,653,991, C>A on the plus strand (G>T on the coding strand, the complement: ATP8B1 is on the minus strand). VCF-style: chr18-57653991-C-A. GRCh37 (hg19) VCF-style: chr18-55321223-C-A.
Other names: c.3015+1G>T (NM_005603.6, NM_005603.4); c.2865+1G>T (NM_001374386.1).
Identifiers: ClinVar variation 803503 (VCV000803503.2), dbSNP rs1599069873, ClinGen allele CA402545088.